The following is an entry in ClinVar:

NM_001035.3(RYR2):c.11962+2T>C

Gene: RYR2 (ryanodine receptor 2; plus strand). Cytogenetic location: 1q43.
Variant type: single nucleotide variant.
Coding change: c.11962+2T>C on transcript NM_001035.3 (MANE Select); the canonical splice donor site of the intron after coding-DNA position 11962, T replaced by C.
Molecular consequence: splice donor variant.
Genome position (GRCh38, 1-based): chr1:237,781,648, T>C. VCF-style: chr1-237781648-T-C. GRCh37 (hg19) VCF-style: chr1-237944948-T-C.
Other names: c.11962+2T>C (NM_001035.2).
Identifiers: ClinVar variation 3070246 (VCV003070246.3), dbSNP rs2527741576, ClinGen allele CA345410340.

ClinVar aggregate classification (germline): Uncertain significance. Review status: criteria provided, multiple submitters, no conflicts (2 of 4 stars). 3 submissions from 3 submitters: Uncertain significance (3). Last evaluated 2026-06-10.

Conditions:
Catecholaminergic polymorphic ventricular tachycardia (CVPT). Also called: Catecholamine-induced polymorphic ventricular tachycardia. Identifiers: Orphanet 3286, MedGen C5574922, MONDO:0017990.
Cardiovascular phenotype. Identifiers: MedGen CN230736.
Catecholaminergic polymorphic ventricular tachycardia 1. Also called: VENTRICULAR TACHYCARDIA, CATECHOLAMINERGIC POLYMORPHIC, 1, WITH OR WITHOUT ATRIAL DYSFUNCTION AND/OR DILATED CARDIOMYOPATHY; RYR2-Related Catecholaminergic Polymorphic Ventricular Tachycardia; VENTRICULAR TACHYCARDIA, STRESS-INDUCED POLYMORPHIC 1. Identifiers: Orphanet 3286, MedGen C1631597, MONDO:0011484, OMIM 604772.

Submissions (3):

Ambry Genetics
Classification: Uncertain significance for Cardiovascular phenotype. Last evaluated: 2026-06-10. Review status: criteria provided, single submitter. Criteria: Ambry Variant Classification Scheme 2023. Collection method: clinical testing. Allele origin: germline.
Comment: The c.11962+2T>C intronic variant consists of a T to C substitution two nucleotides after exon 89 (coding exon 89) of the RYR2 gene. Variants that disrupt the canonical splice site are expected to cause aberrant splicing, resulting in an abnormal protein or a transcript that is subject to nonsense-mediated mRNA decay; however, +2T>C variants are capable of generating wild-type transcripts in some genomic contexts and should be interpreted with caution (Lin, 2019). This variant was not reported in population-based cohorts in the Genome Aggregation Database (gnomAD). Based on insufficient or conflicting evidence, the clinical significance of this alteration remains unclear.

Labcorp Genetics (formerly Invitae), Labcorp
Classification: Uncertain significance for Catecholaminergic polymorphic ventricular tachycardia 1. Last evaluated: 2025-07-09. Review status: criteria provided, single submitter. Criteria: Invitae Variant Classification Sherloc (09022015). Collection method: clinical testing. Allele origin: germline.
Comment: This sequence change affects a donor splice site in intron 89 of the RYR2 gene. It is expected to disrupt RNA splicing. Variants that disrupt the donor or acceptor splice site typically lead to a loss of protein function (PMID: 16199547), however the current clinical and genetic evidence is not sufficient to establish whether loss-of-function variants in RYR2 cause disease. This variant is not present in population databases (gnomAD no frequency). This variant has not been reported in the literature in individuals affected with RYR2-related conditions. ClinVar contains an entry for this variant (Variation ID: 3070246). Algorithms developed to predict the effect of sequence changes on RNA splicing suggest that this variant may disrupt the consensus splice site. In summary, the available evidence is currently insufficient to determine the role of this variant in disease. Therefore, it has been classified as a Variant of Uncertain Significance.

All of Us Research Program, National Institutes of Health
Classification: Uncertain significance for Catecholaminergic polymorphic ventricular tachycardia. Last evaluated: 2023-04-03. Review status: criteria provided, single submitter. Criteria: ACMG Guidelines, 2015. Collection method: clinical testing. Allele origin: germline. Inheritance: Autosomal dominant inheritance. Observed: 1 variant allele, 1 heterozygote.
Comment: This variant causes a T to C nucleotide substitution at the +2 position of intron 89 of the RYR2 gene. To our knowledge, functional studies have not been reported for this variant. This variant has not been reported in individuals affected with RYR2-related disorders in the literature. This variant has not been identified in the general population by the Genome Aggregation Database (gnomAD). The available evidence is insufficient to determine the role of this variant in disease conclusively. Therefore, this variant is classified as a Variant of Uncertain Significance.

This study involves interpretation of variants in research participants for the purpose of population health screening. Participant phenotype was not available at the time of variant classification. Additional details can be found in publication PMID: 35346344, PMCID: PMC8962531

Literature cited by the submitters: PubMed 16199547 (cited by Labcorp Genetics (formerly Invitae), Labcorp).